The following is an entry in ClinVar:

ClinVar aggregate classification (germline): Uncertain significance (1 of 4 stars; one submission).

Conditions:
Parenti-mignot neurodevelopmental syndrome. Identifiers: MedGen C5676984, MONDO:0859249, OMIM 619873.

Submission:

Laboratorio de Genetica e Diagnostico Molecular, Hospital Israelita Albert Einstein
Classification: Uncertain significance for Parenti-mignot neurodevelopmental syndrome. Last evaluated: 2024-05-14. Review status: criteria provided, single submitter. Criteria: ACMG Guidelines, 2015. Collection method: clinical testing. Allele origin: germline. Affected: yes.
Comment: ACMG classification criteria: PM2 supporting, PP2 supporting, BP4 supporting

NM_015557.3(CHD5):c.5192A>G (p.Lys1731Arg)

Gene: CHD5 (chromodomain helicase DNA binding protein 5; minus strand). Cytogenetic location: 1p36.31.
Variant type: single nucleotide variant.
Coding change: c.5192A>G on transcript NM_015557.3 (MANE Select); coding-DNA position 5192, A replaced by G.
Protein change: p.Lys1731Arg; replaces lysine 1731 with arginine.
Molecular consequence: missense variant.
Genome position (GRCh38, 1-based): chr1:6,111,832, T>C on the plus strand (A>G on the coding strand, the complement: CHD5 is on the minus strand). VCF-style: chr1-6111832-T-C. GRCh37 (hg19) VCF-style: chr1-6171892-T-C.
Other names: short protein forms K1731R.
Identifiers: ClinVar variation 3902078 (VCV003902078.1).